The following is an entry in ClinVar:

ClinVar aggregate classification (germline): Pathogenic (1 of 4 stars; one submission).

Submission:

Labcorp Genetics (formerly Invitae), Labcorp
Classification: Pathogenic. Last evaluated: 2023-05-12. Review status: criteria provided, single submitter. Criteria: Invitae Variant Classification Sherloc (09022015). Collection method: clinical testing. Allele origin: germline.
Comment: For these reasons, this variant has been classified as Pathogenic. This variant has not been reported in the literature in individuals affected with SLC5A5-related conditions. This variant is not present in population databases (gnomAD no frequency). This sequence change creates a premature translational stop signal (p.Ser522Thrfs*16) in the SLC5A5 gene. It is expected to result in an absent or disrupted protein product. Loss-of-function variants in SLC5A5 are known to be pathogenic (PMID: 9388506, 9486973).

Literature cited by the submitters: PubMed 9388506; PubMed 9486973.

NM_000453.3(SLC5A5):c.1565del (p.Ser522fs)

Gene: SLC5A5 (solute carrier family 5 member 5; plus strand). Cytogenetic location: 19p13.11.
Variant type: Deletion.
Coding change: c.1565del on transcript NM_000453.3 (MANE Select); coding-DNA position 1565, one base deleted (G; older notation c.1565delG).
Protein change: p.Ser522fs; shifts the reading frame from serine 522.
Molecular consequence: frameshift variant.
Genome position (GRCh38, 1-based): chr19:17,888,369, G deleted. VCF-style (leftmost placement, unchanged base first): chr19-17888368-AG-A. GRCh37 (hg19) VCF-style: chr19-17999177-AG-A.
Other names: short protein forms S522fs.
Identifiers: ClinVar variation 2982864 (VCV002982864.3), dbSNP rs2514646544, ClinGen allele CA2740091976.